The following is an entry in ClinVar:

NM_170707.4(LMNA):c.1892G>A (p.Gly631Asp)

Gene: LMNA (lamin A/C; plus strand). Cytogenetic location: 1q22.
Variant type: single nucleotide variant.
Coding change: c.1892G>A on transcript NM_170707.4 (MANE Select); coding-DNA position 1892, G replaced by A.
Protein change: p.Gly631Asp; replaces glycine 631 with aspartic acid.
Molecular consequence: missense variant. On other transcripts: intron variant (1).
Genome position (GRCh38, 1-based): chr1:156,138,681, G>A. VCF-style: chr1-156138681-G-A. GRCh37 (hg19) VCF-style: chr1-156108472-G-A.
Other names: c.1556G>A, p.Gly519Asp (NM_001257374.3); c.1802G>A, p.Gly601Asp (NM_170708.4); c.1818+74G>A (NM_001282626.2); short protein forms G601D, G631D, G519D.
Identifiers: ClinVar variation 66873 (VCV000066873.5), dbSNP rs267607648, ClinGen allele CA014872.

ClinVar aggregate classification (germline): Uncertain significance. Review status: criteria provided, single submitter (1 of 4 stars). 3 submissions from 3 submitters: Uncertain significance (1). 2 of the submissions do not count toward it. Last evaluated 2025-07-30.

Conditions:
Metabolic disease. Also called: Metabolic disorders, general; metabolic disorder. Identifiers: MedGen C0025517, MONDO:0005066.
Charcot-Marie-Tooth disease type 2. Also called: Charcot-Marie-Tooth type 2. Identifiers: Orphanet 64746, MedGen C0270914, MONDO:0018993.

Allele frequency attached by ClinVar (database versions not stated): gnomAD exomes 0.00001; ESP Exome Variant Server 0.00008; TOPMed below 0.00001; ExAC 0.00001.
gnomAD v4.1: 3 of 1,613,728 alleles (0.00019%); highest among the groups gnomAD compares: Non-Finnish European, 0.00025%; no homozygotes.

Submissions (3):

Labcorp Genetics (formerly Invitae), Labcorp
Classification: Uncertain significance for Charcot-Marie-Tooth disease type 2. Last evaluated: 2025-07-30. Review status: criteria provided, single submitter. Criteria: Invitae Variant Classification Sherloc (09022015). Collection method: clinical testing. Allele origin: germline.
Comment: This sequence change replaces glycine, which is neutral and non-polar, with aspartic acid, which is acidic and polar, at codon 631 of the LMNA protein (p.Gly631Asp). This variant is present in population databases (rs267607648, gnomAD 0.002%). This missense change has been observed in individual(s) with clinical features of autosomal dominant LMNA-related conditions (PMID: 32012908). ClinVar contains an entry for this variant (Variation ID: 66873). Invitae Evidence Modeling of protein sequence and biophysical properties (such as structural, functional, and spatial information, amino acid conservation, physicochemical variation, residue mobility, and thermodynamic stability) indicates that this missense variant is expected to disrupt LMNA protein function with a positive predictive value of 80%. In summary, the available evidence is currently insufficient to determine the role of this variant in disease. Therefore, it has been classified as a Variant of Uncertain Significance.

CSER _CC_NCGL, University of Washington
Classification: Uncertain significance for Metabolic disease. Last evaluated: 2014-06-01. Review status: no assertion criteria provided. Collection method: research. Allele origin: germline. Inheritance: Autosomal dominant inheritance. Study: ESP 6500 variant annotation. Not counted in ClinVar's aggregate classification.
Comment: Variants classified for the Actionable exomic incidental findings in 6503 participants: challenges of variant classification manuscript

Epithelial Biology;  Institute of Medical Biology, Singapore
No classification provided. Review status: no classification provided. Collection method: not provided. Allele origin: not provided. Not counted in ClinVar's aggregate classification.

Literature cited by the submitters: PubMed 32012908 (cited by Labcorp Genetics (formerly Invitae), Labcorp).